The following is an entry in ClinVar:

ClinVar aggregate classification (germline): Conflicting classifications of pathogenicity. Review status: criteria provided, conflicting classifications (1 of 4 stars). 2 submissions from 2 submitters: Uncertain significance (1); Likely benign (1). Last evaluated 2026-07-30.

Conditions:
Cardiovascular phenotype. Identifiers: MedGen CN230736.

Allele frequency attached by ClinVar (database versions not stated): gnomAD exomes below 0.00001.
gnomAD v4.1: 1 of 1,553,360 alleles (0.000064%); highest among the groups gnomAD compares: Non-Finnish European, 0.000087%; no homozygotes.

Submissions (2):

Ambry Genetics
Classification: Likely benign for Cardiovascular phenotype. Last evaluated: 2026-07-30. Review status: criteria provided, single submitter. Criteria: Ambry Variant Classification Scheme 2023. Collection method: clinical testing. Allele origin: germline.

GeneDx
Classification: Uncertain significance. Last evaluated: 2023-07-26. Review status: criteria provided, single submitter. Criteria: GeneDx Variant Classification Process June 2021. Collection method: clinical testing. Allele origin: germline. Affected: yes.
Comment: Not observed at significant frequency in large population cohorts (gnomAD); In silico analysis supports that this missense variant does not alter protein structure/function; Has not been previously published as pathogenic or benign to our knowledge

NM_000256.3(MYBPC3):c.2335A>G (p.Lys779Glu)

Gene: MYBPC3 (myosin binding protein C3; minus strand). Cytogenetic location: 11p11.2.
Variant type: single nucleotide variant.
Coding change: c.2335A>G on transcript NM_000256.3 (MANE Select); coding-DNA position 2335, A replaced by G.
Protein change: p.Lys779Glu; replaces lysine 779 with glutamic acid.
Molecular consequence: missense variant.
Genome position (GRCh38, 1-based): chr11:47,337,768, T>C on the plus strand (A>G on the coding strand, the complement: MYBPC3 is on the minus strand). VCF-style: chr11-47337768-T-C. GRCh37 (hg19) VCF-style: chr11-47359319-T-C.
Other names: short protein forms K779E.
Identifiers: ClinVar variation 2448093 (VCV002448093.4), dbSNP rs2495750574, ClinGen allele CA380319034.
Genomic context (GRCh38, chr11:47,337,768, plus strand): 5'-CATCGTAGGCAGGCGGCTCCCACTGTACTGTGCAGGAGTCCTCTCCCACGTTGCTGATCT[T>C]GGGGGCCGCAGGTGCGTCTGGCACGTCTGGATGGGGTGGGATGGACCCACATCAGCCCTG-3'
Protein context (NP_000247.2, residues 769-789): IDVPDAPAAP[Lys779Glu]ISNVGEDSCT